The following is an entry in ClinVar:

NM_022489.4(INF2):c.368G>A (p.Gly123Asp)

Gene: INF2 (inverted formin 2; plus strand). Cytogenetic location: 14q32.33.
Variant type: single nucleotide variant.
Coding change: c.368G>A on transcript NM_022489.4 (MANE Select); coding-DNA position 368, G replaced by A.
Protein change: p.Gly123Asp; replaces glycine 123 with aspartic acid.
Molecular consequence: missense variant.
Genome position (GRCh38, 1-based): chr14:104,701,733, G>A. VCF-style: chr14-104701733-G-A. GRCh37 (hg19) VCF-style: chr14-105168070-G-A.
Other names: p.Gly123Asp; c.368G>A, p.Gly123Asp (NM_001031714.4, NM_032714.3); c.368G>A (NM_022489.3); short protein forms G123D.
Identifiers: ClinVar variation 1011558 (VCV001011558.38), dbSNP rs994483790, ClinGen allele CA267330553.

ClinVar aggregate classification (germline): Uncertain significance. Review status: criteria provided, multiple submitters, no conflicts (2 of 4 stars). 6 submissions from 6 submitters: Uncertain significance (6). Last evaluated 2025-07-08.

Conditions:
Charcot-Marie-Tooth disease dominant intermediate E. Also called: CHARCOT-MARIE-TOOTH NEUROPATHY WITH FOCAL SEGMENTAL GLOMERULONEPHRITIS. Identifiers: Orphanet 93114, MedGen C4302667, MONDO:0013758, OMIM 614455.
Focal segmental glomerulosclerosis 5 (FSGS5). Identifiers: Orphanet 656, MedGen C2750475, MONDO:0013191, OMIM 613237.
Inborn genetic diseases. Identifiers: MedGen C0950123, MeSH D030342.

Allele frequency attached by ClinVar (database versions not stated): gnomAD 0.00001; TOPMed 0.00001; gnomAD exomes 0.00002.
gnomAD v4.1: 29 of 1,524,156 alleles (0.0019%); highest among the groups gnomAD compares: Non-Finnish European, 0.0026%; no homozygotes.

Submissions (6):

Labcorp Genetics (formerly Invitae), Labcorp
Classification: Uncertain significance for Charcot-Marie-Tooth disease dominant intermediate E; Focal segmental glomerulosclerosis 5. Last evaluated: 2025-07-08. Review status: criteria provided, single submitter. Criteria: Invitae Variant Classification Sherloc (09022015). Collection method: clinical testing. Allele origin: germline.
Comment: This sequence change replaces glycine, which is neutral and non-polar, with aspartic acid, which is acidic and polar, at codon 123 of the INF2 protein (p.Gly123Asp). This variant is not present in population databases (gnomAD no frequency). This variant has not been reported in the literature in individuals affected with INF2-related conditions. ClinVar contains an entry for this variant (Variation ID: 1011558). Invitae Evidence Modeling of protein sequence and biophysical properties (such as structural, functional, and spatial information, amino acid conservation, physicochemical variation, residue mobility, and thermodynamic stability) indicates that this missense variant is not expected to disrupt INF2 protein function with a negative predictive value of 95%. In summary, the available evidence is currently insufficient to determine the role of this variant in disease. Therefore, it has been classified as a Variant of Uncertain Significance.

Mayo Clinic Laboratories, Mayo Clinic
Classification: Uncertain significance. Last evaluated: 2023-12-12. Review status: criteria provided, single submitter. Criteria: ACMG Guidelines, 2015. Collection method: clinical testing. Allele origin: germline. Observed: 1 variant allele.
Comment: PM2_moderate

Ambry Genetics
Classification: Uncertain significance for Inborn genetic diseases. Last evaluated: 2022-10-26. Review status: criteria provided, single submitter. Criteria: Ambry Variant Classification Scheme 2023. Collection method: clinical testing. Allele origin: germline.

CeGaT Center for Human Genetics Tuebingen
Classification: Uncertain significance. Last evaluated: 2022-06-01. Review status: criteria provided, single submitter. Criteria: CeGaT Center For Human Genetics Tuebingen Variant Classification Criteria Version 2. Collection method: clinical testing. Allele origin: germline. Affected: yes. Observed: 1 variant allele.
Comment: INF2: PM2, PP2

ARUP Laboratories, Molecular Genetics and Genomics, ARUP Laboratories
Classification: Uncertain significance. Last evaluated: 2022-03-09. Review status: criteria provided, single submitter. Criteria: ARUP Molecular Germline Variant Investigation Process 2021. Collection method: clinical testing. Allele origin: germline.
Comment: The INF2 c.368G>A; p.Gly123Asp variant (rs994483790), to our knowledge, is not reported in the medical literature but is reported in ClinVar (Variation ID: 1011558). This variant is absent from the Genome Aggregation Database, indicating it is not a common polymorphism. The glycine at codon 123 is moderately conserved, and computational analyses are uncertain whether this variant is neutral or deleterious (REVEL: 0.374). Due to limited information, the clinical significance of this variant is uncertain at this time.

Blueprint Genetics
Classification: Uncertain significance. Last evaluated: 2021-06-07. Review status: criteria provided, single submitter. Criteria: ACMG Guidelines, 2015. Collection method: clinical testing. Allele origin: germline.